The following is an entry in ClinVar:

ClinVar aggregate classification (germline): Likely benign. Review status: criteria provided, multiple submitters, no conflicts (2 of 4 stars). 3 submissions from 3 submitters: Likely benign (2). 1 of the submissions does not count toward it. Last evaluated 2018-01-12.

Conditions:
Renal hypodysplasia/aplasia 1 (RHDA1). Also called: RENAL APLASIA; HEREDITARY RENAL APLASIA. Identifiers: Orphanet 411709, MedGen C1619700, MONDO:0024519, OMIM 191830.
UPK3A-related disorder. Also called: UPK3A-related condition.

Allele frequency attached by ClinVar (database versions not stated): gnomAD 0.00040 and 0.00052; TOPMed 0.00068; ExAC 0.00112; gnomAD exomes 0.00121; 1000 Genomes Project 30x 0.00125; 1000 Genomes Project 0.00160.
gnomAD v4.1: 927 of 1,614,130 alleles (0.057%); highest among the groups gnomAD compares: East Asian, 1.5%; 11 homozygotes.

Submissions (3):

Illumina Laboratory Services, Illumina
Classification: Likely benign for Renal hypodysplasia/aplasia 1. Last evaluated: 2018-01-12. Review status: criteria provided, single submitter. Criteria: ICSL Variant Classification Criteria 13 December 2019. Collection method: clinical testing. Allele origin: germline.
Comment: This variant was observed in the ICSL laboratory as part of a predisposition screen in an ostensibly healthy population. It had not been previously curated by ICSL or reported in the Human Gene Mutation Database (HGMD: prior to June 1st, 2018), and was therefore a candidate for classification through an automated scoring system. Utilizing variant allele frequency, disease prevalence and penetrance estimates, and inheritance mode, an automated score was calculated to assess if this variant is too frequent to cause the disease. Based on the score and internal cut-off values, a variant classified as likely benign is not then subjected to further curation. The score for this variant resulted in a classification of likely benign for this disease.

GeneDx
Classification: Likely benign. Last evaluated: 2015-05-06. Review status: criteria provided, single submitter. Criteria: GeneDx Variant Classification (06012015). Collection method: clinical testing. Allele origin: germline. Affected: yes.
Comment: This variant is considered likely benign or benign based on one or more of the following criteria: it is a conservative change, it occurs at a poorly conserved position in the protein, it is predicted to be benign by multiple in silico algorithms, and/or has population frequency not consistent with disease.

PreventionGenetics, part of Exact Sciences
Classification: Benign for UPK3A-related condition. Last evaluated: 2019-06-28. Review status: no assertion criteria provided. Collection method: clinical testing. Allele origin: germline. Not counted in ClinVar's aggregate classification.
Comment: This variant is classified as benign based on ACMG/AMP sequence variant interpretation guidelines (Richards et al. 2015 PMID: 25741868, with internal and published modifications).

NM_006953.4(UPK3A):c.628G>A (p.Val210Ile)

Gene: UPK3A (uroplakin 3A; plus strand). Cytogenetic location: 22q13.31.
Variant type: single nucleotide variant.
Coding change: c.628G>A on transcript NM_006953.4 (MANE Select); coding-DNA position 628, G replaced by A.
Protein change: p.Val210Ile; replaces valine 210 with isoleucine.
Molecular consequence: missense variant.
Genome position (GRCh38, 1-based): chr22:45,293,237, G>A. VCF-style: chr22-45293237-G-A. GRCh37 (hg19) VCF-style: chr22-45689118-G-A.
Other names: c.265G>A, p.Val89Ile (NM_001167574.2); short protein forms V210I, V89I.
Identifiers: ClinVar variation 378846 (VCV000378846.8), dbSNP rs147247708, ClinGen allele CA10284496.
Genomic context (GRCh38, chr22:45,293,237, plus strand): 5'-ACAGTCACCCCATACTCGACGATCGACACGTGGCCAGGCCGGCGGAGCGGAGGCATGATC[G>A]TCATCACTTCCATCCTGGGCTCCCTGCCCTTCTTTCTACTTGTGGGTTTTGCTGGCGCCA-3'
Protein context (NP_008884.1, residues 200-220): WPGRRSGGMI[Val210Ile]ITSILGSLPF